The following is an entry in ClinVar:

NM_018979.4(WNK1):c.4237G>C (p.Val1413Leu)

Gene: WNK1 (WNK lysine deficient protein kinase 1; plus strand). Cytogenetic location: 12p13.33.
Variant type: single nucleotide variant.
Coding change: c.4237G>C on transcript NM_018979.4 (MANE Select); coding-DNA position 4237, G replaced by C.
Protein change: p.Val1413Leu; replaces valine 1413 with leucine.
Molecular consequence: missense variant.
Genome position (GRCh38, 1-based): chr12:885,041, G>C. VCF-style: chr12-885041-G-C. GRCh37 (hg19) VCF-style: chr12-994207-G-C.
Other names: c.5017G>C, p.Val1673Leu (NM_001184985.2); c.3496G>C, p.Val1166Leu (NM_014823.3); c.4993G>C, p.Val1665Leu (NM_213655.5); short protein forms V1673L, V1166L, V1413L, V1665L.
Identifiers: ClinVar variation 2952407 (VCV002952407.3), dbSNP rs2549042863, ClinGen allele CA383330836.

ClinVar aggregate classification (germline): Uncertain significance (1 of 4 stars; one submission).

Conditions:
Neuropathy, hereditary sensory and autonomic, type 2A (HSAN2A). Also called: HSAN IIA; WNK1-Related HSAN2 (HSAN2A); ACROOSTEOLYSIS, GIACCAI TYPE; ACROOSTEOLYSIS, NEUROGENIC; MORVAN DISEASE; NEUROPATHY, CONGENITAL SENSORY. Identifiers: Orphanet 970, MedGen C2752089, MONDO:0024309, OMIM 201300.
Pseudohypoaldosteronism type 2C (PHA2C). Also called: Pseudohypoaldosteronism Type IIC. Identifiers: Orphanet 757, Orphanet 88940, MedGen C1840391, MONDO:0013778, OMIM 614492.

Submission:

Labcorp Genetics (formerly Invitae), Labcorp
Classification: Uncertain significance for Neuropathy, hereditary sensory and autonomic, type 2A; Pseudohypoaldosteronism type 2C. Last evaluated: 2023-10-09. Review status: criteria provided, single submitter. Criteria: Invitae Variant Classification Sherloc (09022015). Collection method: clinical testing. Allele origin: germline.
Comment: This sequence change replaces valine, which is neutral and non-polar, with leucine, which is neutral and non-polar, at codon 1665 of the WNK1 protein (p.Val1665Leu). This variant is not present in population databases (gnomAD no frequency). This variant has not been reported in the literature in individuals affected with WNK1-related conditions. Advanced modeling of protein sequence and biophysical properties (such as structural, functional, and spatial information, amino acid conservation, physicochemical variation, residue mobility, and thermodynamic stability) performed at Invitae indicates that this missense variant is not expected to disrupt WNK1 protein function. In summary, the available evidence is currently insufficient to determine the role of this variant in disease. Therefore, it has been classified as a Variant of Uncertain Significance.